The following is an entry in ClinVar:

NM_000455.5(STK11):c.612C>T (p.Phe204=)

Gene: STK11 (serine/threonine kinase 11; plus strand). Cytogenetic location: 19p13.3.
Variant type: single nucleotide variant.
Coding change: c.612C>T on transcript NM_000455.5 (MANE Select); coding-DNA position 612, C replaced by T.
Protein change: p.Phe204=; no amino-acid change (phenylalanine 204 retained).
Molecular consequence: synonymous variant.
Genome position (GRCh38, 1-based): chr19:1,220,595, C>T. VCF-style: chr19-1220595-C-T. GRCh37 (hg19) VCF-style: chr19-1220594-C-T.
Identifiers: ClinVar variation 184044 (VCV000184044.36), dbSNP rs774100153, ClinGen allele CA023142.

ClinVar aggregate classification (germline): Conflicting classifications of pathogenicity. Review status: criteria provided, conflicting classifications (1 of 4 stars). 14 submissions from 14 submitters: Uncertain significance (1); Benign (3); Likely benign (10). Last evaluated 2026-01-18.

Conditions:
Peutz-Jeghers syndrome (PJS). Also called: Peutz-Jeghers polyposis; Periorificial lentiginosis syndrome; POLYPOSIS, HAMARTOMATOUS INTESTINAL; POLYPS-AND-SPOTS SYNDROME. Identifiers: Orphanet 2869, MedGen C0031269, MeSH D010580, MONDO:0008280, OMIM 175200.
Melanoma, cutaneous malignant, susceptibility to, 1 (CMM1). Also called: B-K MOLE SYNDROME; DYSPLASTIC NEVUS SYNDROME, HEREDITARY; FAMILIAL ATYPICAL MOLE-MALIGNANT MELANOMA SYNDROME; MELANOMA, MALIGNANT. Identifiers: Orphanet 618, MedGen C1835047, MONDO:0007963, OMIM 155600.
Familial pancreatic carcinoma. Identifiers: Orphanet 1333, MedGen C2931038, MONDO:0015278, OMIM 260350.
Germ cell tumor of testis (TGCT). Also called: Testicular germ cell tumor; GERM CELL TUMOR, SOMATIC. Identifiers: Orphanet 363504, MedGen C1336708, MONDO:0010108, OMIM 273300.
Hereditary cancer-predisposing syndrome. Also called: Tumor predisposition; Neoplastic Syndromes, Hereditary; Hereditary neoplastic syndrome; Hereditary Cancer Syndrome. Identifiers: Orphanet 140162, MedGen C0027672, MeSH D009386, MONDO:0015356.

Allele frequency attached by ClinVar (database versions not stated): TOPMed 0.00003; gnomAD 0.00004 and 0.00005.

Submissions (14):

Labcorp Genetics (formerly Invitae), Labcorp
Classification: Likely benign for Peutz-Jeghers syndrome. Last evaluated: 2026-01-18. Review status: criteria provided, single submitter. Criteria: Invitae Variant Classification Sherloc (09022015). Collection method: clinical testing. Allele origin: germline.

Center for Genomic Medicine, Rigshospitalet, Copenhagen University Hospital
Classification: Likely benign. Last evaluated: 2025-12-29. Review status: criteria provided, single submitter. Criteria: ACMG Guidelines, 2015. Collection method: clinical testing. Allele origin: germline.

Women's Health and Genetics/Laboratory Corporation of America, LabCorp
Classification: Benign. Last evaluated: 2025-12-25. Review status: criteria provided, single submitter. Criteria: LabCorp Variant Classification Summary - May 2015. Collection method: clinical testing. Allele origin: germline.

ARUP Laboratories, Molecular Genetics and Genomics, ARUP Laboratories
Classification: Likely benign. Last evaluated: 2025-04-29. Review status: criteria provided, single submitter. Criteria: ARUP Molecular Germline Variant Investigation Process 2024. Collection method: clinical testing. Allele origin: germline.

Myriad Genetics, Inc.
Classification: Benign for Peutz-Jeghers syndrome. Last evaluated: 2025-03-26. Review status: criteria provided, single submitter. Criteria: Myriad Autosomal Dominant, Autosomal Recessive and X-Linked Classification Criteria (2023). Collection method: clinical testing. Allele origin: unknown.
Comment: This variant is considered benign. This variant is a silent/synonymous amino acid change and it is not expected to impact splicing.

Blueprint Genetics
Classification: Likely benign. Last evaluated: 2024-03-13. Review status: criteria provided, single submitter. Criteria: ACMG Guidelines, 2015. Collection method: clinical testing. Allele origin: germline.

All of Us Research Program, National Institutes of Health
Classification: Likely benign for Peutz-Jeghers syndrome. Last evaluated: 2023-12-01. Review status: criteria provided, single submitter. Criteria: ACMG Guidelines, 2015. Collection method: clinical testing. Allele origin: germline. Inheritance: Autosomal dominant inheritance. Observed: 10 variant alleles, 10 heterozygotes.
Comment: This study involves interpretation of variants in research participants for the purpose of population health screening. Participant phenotype was not available at the time of variant classification. Additional details can be found in publication PMID: 35346344, PMCID: PMC8962531

Department of Pathology and Laboratory Medicine, Sinai Health System
Classification: Likely benign for Melanoma, cutaneous malignant, susceptibility to, 1; Peutz-Jeghers syndrome; Familial pancreatic carcinoma; Germ cell tumor of testis. Last evaluated: 2021-08-13. Review status: criteria provided, single submitter. Criteria: ACMG Guidelines, 2015. Collection method: clinical testing. Allele origin: germline. Affected: yes.

Genome-Nilou Lab
Classification: Likely benign for Peutz-Jeghers syndrome. Last evaluated: 2021-07-15. Review status: criteria provided, single submitter. Criteria: ACMG Guidelines, 2015. Collection method: clinical testing. Allele origin: germline. Affected: no.

Sema4
Classification: Likely benign for Hereditary cancer-predisposing syndrome. Last evaluated: 2020-11-09. Review status: criteria provided, single submitter. Criteria: Sema4 Curation Guidelines. Collection method: curation. Allele origin: germline.

Quest Diagnostics Nichols Institute San Juan Capistrano
Classification: Benign. Last evaluated: 2017-11-27. Review status: criteria provided, single submitter. Criteria: Quest Diagnostics criteria. Collection method: clinical testing. Allele origin: germline.

GeneDx
Classification: Uncertain significance. Last evaluated: 2017-07-28. Review status: criteria provided, single submitter. Criteria: GeneDx Variant Classification (06012015). Collection method: clinical testing. Allele origin: germline. Affected: yes.
Comment: This variant is denoted STK11 c.612C>T at the DNA level and is silent at the coding level, preserving a Phenylalanine at codon 204. This variant has not, to our knowledge, been published in the literature as pathogenic or benign. STK11 c.612C>T was not observed at a significant frequency in large population cohorts (Lek 2016). The nucleotide which is altered, a cytosine (C) at base 612, is not conserved. In silico splicing models are uninformative; therefore, in the absence of RNA or functional studies, the actual effect of this variant is unknown. Based on currently available evidence, it is unclear whether STK11 c.612C>T is a pathogenic or benign variant. We consider it to be a variant of uncertain significance.

Color Diagnostics, LLC DBA Color Health
Classification: Likely benign for Hereditary cancer-predisposing syndrome. Last evaluated: 2015-12-02. Review status: criteria provided, single submitter. Criteria: ACMG Guidelines, 2015. Collection method: clinical testing. Allele origin: germline.

Ambry Genetics
Classification: Likely benign for Hereditary cancer-predisposing syndrome. Last evaluated: 2014-08-25. Review status: criteria provided, single submitter. Criteria: Ambry Variant Classification Scheme 2023. Collection method: clinical testing. Allele origin: germline.